The following is an entry in ClinVar:

NM_003900.5(SQSTM1):c.526_529del (p.Ser176fs)

Gene: SQSTM1 (sequestosome 1; plus strand). Cytogenetic location: 5q35.3.
Variant type: Deletion.
Coding change: c.526_529del on transcript NM_003900.5 (MANE Select); coding-DNA positions 526 to 529, 4 bases deleted (TCTG; older notation c.526_529delTCTG).
Protein change: p.Ser176fs; shifts the reading frame from serine 176.
Molecular consequence: frameshift variant.
Genome position (GRCh38, 1-based): chr5:179,824,082-179,824,085, TCTG deleted; deleting any 4 consecutive bases within chr5:179,824,079-179,824,085 gives the same sequence; the c. name uses the placement nearest the transcript's 3' end. VCF-style (leftmost placement, unchanged base first): chr5-179824078-CCTGT-C. GRCh37 (hg19) VCF-style: chr5-179251078-CCTGT-C.
Other names: c.274_277del, p.Ser92fs (NM_001142299.2, NM_001142298.2); c.526_529del (NM_003900.4); short protein forms S176fs, S92fs.
Identifiers: ClinVar variation 503881 (VCV000503881.8), dbSNP rs1331685476, ClinGen allele CA565353368.

ClinVar aggregate classification (germline): Pathogenic. Review status: criteria provided, multiple submitters, no conflicts (2 of 4 stars). 2 submissions from 2 submitters: Pathogenic (2). Last evaluated 2025-10-12.

Conditions:
Frontotemporal dementia and/or amyotrophic lateral sclerosis 1 (FTDALS1). Also called: C9orf72 Frontotemporal Dementia and/or Amyotrophic Lateral Sclerosis; Frontotemporal dementia with motor neuron disease 1. Identifiers: Orphanet 275872, MedGen C5779877, MONDO:0007105, OMIM 105550.
Paget disease of bone 2, early-onset (PDB2). Also called: Paget disease of bone 2. Identifiers: MedGen C4085251, MONDO:0011183, OMIM 602080.

Submissions (2):

Labcorp Genetics (formerly Invitae), Labcorp
Classification: Pathogenic for Paget disease of bone 2, early-onset; Frontotemporal dementia and/or amyotrophic lateral sclerosis 1. Last evaluated: 2025-10-12. Review status: criteria provided, single submitter. Criteria: Invitae Variant Classification Sherloc (09022015). Collection method: clinical testing. Allele origin: germline.
Comment: This sequence change creates a premature translational stop signal (p.Ser176Argfs*12) in the SQSTM1 gene. It is expected to result in an absent or disrupted protein product. Loss-of-function variants in SQSTM1 are known to be pathogenic (PMID: 27545679, 29959261). This variant is present in population databases (no rsID available, gnomAD 0.007%). This variant has not been reported in the literature in individuals affected with SQSTM1-related conditions. ClinVar contains an entry for this variant (Variation ID: 503881). For these reasons, this variant has been classified as Pathogenic.

GeneDx
Classification: Pathogenic. Last evaluated: 2017-12-05. Review status: criteria provided, single submitter. Criteria: GeneDx Variant Classification (06012015). Collection method: clinical testing. Allele origin: germline. Affected: yes.
Comment: The c.526_529delTCTG pathogenic variant in the SQSTM1 gene has not been reported previously as a pathogenic variant nor as a benign variant, to our knowledge. The c.526_529delTCTG variant causes a frameshift starting with codon Serine 176, changes this amino acid to a Arginine residue, and creates a premature Stop codon at position 12 of the new reading frame, denoted p.Ser176ArgfsX12. This variant is predicted to cause loss of normal protein function either through protein truncation or nonsense-mediated mRNA decay. The c.526_529delTCTG variant is not observed in large population cohorts (Lek et al., 2016).

Literature cited by the submitters: PubMed 27545679 (cited by Labcorp Genetics (formerly Invitae), Labcorp); PubMed 29959261 (cited by Labcorp Genetics (formerly Invitae), Labcorp).